The following is an entry in ClinVar:

NM_033004.4(NLRP1):c.82C>T (p.Leu28Phe)

Genes: NLRP1 (NLR family pyrin domain containing 1; minus strand), LOC126862475 (CDK7 strongly-dependent group 2 enhancer GRCh37_chr17:5487167-5488366; plus strand). Cytogenetic location: 17p13.2.
Variant type: single nucleotide variant.
Coding change: c.82C>T on transcript NM_033004.4 (MANE Select); coding-DNA position 82, C replaced by T.
Protein change: p.Leu28Phe; replaces leucine 28 with phenylalanine.
Molecular consequence: missense variant.
Genome position (GRCh38, 1-based): chr17:5,583,876, G>A on the plus strand (C>T on the coding strand, the complement: NLRP1 is on the minus strand). VCF-style: chr17-5583876-G-A. GRCh37 (hg19) VCF-style: chr17-5487196-G-A.
Other names: c.82C>T, p.Leu28Phe (NM_001033053.3, NM_014922.5, NM_033006.4 and 1 more transcripts); c.82C>T (NM_033004.3); short protein forms L28F.
Identifiers: ClinVar variation 2177342 (VCV002177342.5), dbSNP rs980793433, ClinGen allele CA287293723.
Genomic context (GRCh38, chr17:5,583,876, plus strand): 5'-TCTTCTCTGGCTGAGCGGGTGTCTCACCCGAAGAGCTCCTGGAGTGCGCTTTATTGGCGA[G>A]CAGAAGCTGGAACTCCTTCAGCTCCTCCTTCTTCAGGAACTCCAAGTAACAGGCCAGGCG-3'
Protein context (NP_127497.1, residues 18-38): KEELKEFQLL[Leu28Phe]ANKAHSRSSS

ClinVar aggregate classification (germline): Conflicting classifications of pathogenicity. Review status: criteria provided, conflicting classifications (1 of 4 stars). 2 submissions from 2 submitters: Uncertain significance (1); Likely benign (1). Last evaluated 2025-10-11.

Conditions:
Inborn genetic diseases. Identifiers: MedGen C0950123, MeSH D030342.

Allele frequency attached by ClinVar (database versions not stated): TOPMed 0.00001; gnomAD 0.00002.

Submissions (2):

Labcorp Genetics (formerly Invitae), Labcorp
Classification: Uncertain significance. Last evaluated: 2025-10-11. Review status: criteria provided, single submitter. Criteria: Invitae Variant Classification Sherloc (09022015). Collection method: clinical testing. Allele origin: germline.
Comment: This sequence change replaces leucine, which is neutral and non-polar, with phenylalanine, which is neutral and non-polar, at codon 28 of the NLRP1 protein (p.Leu28Phe). This variant is present in population databases (no rsID available, gnomAD 0.01%). This variant has not been reported in the literature in individuals affected with NLRP1-related conditions. ClinVar contains an entry for this variant (Variation ID: 2177342). An algorithm developed to predict the effect of missense changes on protein structure and function outputs the following: PolyPhen-2: "Benign". The phenylalanine amino acid residue is found in multiple mammalian species, which suggests that this missense change does not adversely affect protein function. In summary, the available evidence is currently insufficient to determine the role of this variant in disease. Therefore, it has been classified as a Variant of Uncertain Significance.

Ambry Genetics
Classification: Likely benign for Inborn genetic diseases. Last evaluated: 2025-06-07. Review status: criteria provided, single submitter. Criteria: Ambry Variant Classification Scheme 2023. Collection method: clinical testing. Allele origin: germline.